The following is an entry in ClinVar:

NM_001003694.2(BRPF1):c.1887G>C (p.Gln629His)

Gene: BRPF1 (bromodomain and PHD finger containing 1; plus strand). Cytogenetic location: 3p25.3.
Variant type: single nucleotide variant.
Coding change: c.1887G>C on transcript NM_001003694.2 (MANE Select); coding-DNA position 1887, G replaced by C.
Protein change: p.Gln629His; replaces glutamine 629 with histidine.
Molecular consequence: missense variant. On other transcripts: non-coding transcript variant (1).
Genome position (GRCh38, 1-based): chr3:9,742,057, G>C. VCF-style: chr3-9742057-G-C. GRCh37 (hg19) VCF-style: chr3-9783741-G-C.
Other names: c.1887G>C, p.Gln629His (NM_001319049.2, NM_001319050.2, NM_001410704.1 and 1 more transcripts); short protein forms Q629H.
Identifiers: ClinVar variation 2653487 (VCV002653487.24), dbSNP rs2471490480, ClinGen allele CA351691806.

ClinVar aggregate classification (germline): Uncertain significance (1 of 4 stars; one submission).

Submission:

CeGaT Center for Human Genetics Tuebingen
Classification: Uncertain significance. Last evaluated: 2023-05-01. Review status: criteria provided, single submitter. Criteria: CeGaT Center For Human Genetics Tuebingen Variant Classification Criteria Version 2. Collection method: clinical testing. Allele origin: germline. Affected: yes. Observed: 1 variant allele.
Comment: BRPF1: PM2, PP2